The following is an entry in ClinVar:

ClinVar aggregate classification (germline): Likely benign (1 of 4 stars; one submission).

Submission:

CeGaT Center for Human Genetics Tuebingen
Classification: Likely benign. Last evaluated: 2025-04-01. Review status: criteria provided, single submitter. Criteria: CeGaT Center For Human Genetics Tuebingen Variant Classification Criteria Version 2. Collection method: clinical testing. Allele origin: germline. Affected: yes. Observed: 1 variant allele.
Comment: CACNA1E: PM2:Supporting, BP4, BP7

NM_001205293.3(CACNA1E):c.999C>G (p.Pro333=)

Gene: CACNA1E (calcium voltage-gated channel subunit alpha1 E; plus strand). Cytogenetic location: 1q25.3.
Variant type: single nucleotide variant.
Coding change: c.999C>G on transcript NM_001205293.3 (MANE Select); coding-DNA position 999, C replaced by G.
Protein change: p.Pro333=; no amino-acid change (proline 333 retained).
Molecular consequence: synonymous variant.
Genome position (GRCh38, 1-based): chr1:181,651,385, C>G. VCF-style: chr1-181651385-C-G. GRCh37 (hg19) VCF-style: chr1-181620521-C-G.
Other names: c.999C>G, p.Pro333= (NM_000721.4, NM_001205294.2).
Identifiers: ClinVar variation 3898279 (VCV003898279.7).
Genomic context (GRCh38, chr1:181,651,385, plus strand): 5'-TTCTTTCTTTCAGACCAATGATGCCTTAGGAGCCACCTGGAATTGGCTGTACTTCATCCC[C>G]CTCATCATCATTGGATCCTTCTTTGTTCTCAACCTAGTCCTGGGAGTGCTTTCCGGGTGA-3'
Protein context (NP_001192222.1, residues 323-343): GATWNWLYFI[Pro333=]LIIIGSFFVL